The following is an entry in ClinVar:

ClinVar aggregate classification (germline): Benign/Likely benign. Review status: criteria provided, multiple submitters, no conflicts (2 of 4 stars). 4 submissions from 4 submitters: Benign (2); Likely benign (1). 1 of the submissions does not count toward it. Last evaluated 2026-01-29.

Conditions:
4p partial monosomy syndrome (WHS). Also called: Wolf-Hirschhorn syndrome; CHROMOSOME 4p16.3 DELETION SYNDROME; WITTWER SYNDROME; PITT SYNDROME. Identifiers: Orphanet 280, MedGen C1956097, MONDO:0008684, OMIM 194190.
Rauch-Steindl syndrome (RAUST). Identifiers: Orphanet 659642, MedGen C5562061, MONDO:0859219, OMIM 619695.
NSD2-related disorder. Also called: NSD2 related disorders; NSD2-related condition.

Allele frequency attached by ClinVar (database versions not stated): ESP Exome Variant Server 0.00177; gnomAD 0.00201 and 0.00426; TOPMed 0.00217; 1000 Genomes Project 30x 0.01796; 1000 Genomes Project 0.01837.
gnomAD v4.1: 9,248 of 1,603,582 alleles (0.58%); highest among the groups gnomAD compares: South Asian, 6.4%; 255 homozygotes.

Submissions (4):

Labcorp Genetics (formerly Invitae), Labcorp
Classification: Benign. Last evaluated: 2026-01-29. Review status: criteria provided, single submitter. Criteria: Invitae Variant Classification Sherloc (09022015). Collection method: clinical testing. Allele origin: germline.

Fulgent Genetics
Classification: Likely benign for 4p partial monosomy syndrome; Rauch-Steindl syndrome. Last evaluated: 2021-08-10. Review status: criteria provided, single submitter. Criteria: ACMG Guidelines, 2015. Collection method: clinical testing. Allele origin: unknown.

Breakthrough Genomics
Classification: Benign. Review status: criteria provided, single submitter. Criteria: ACMG Guidelines, 2015. Collection method: not provided. Allele origin: germline. Inheritance: Autosomal dominant inheritance. Affected: yes.

PreventionGenetics, part of Exact Sciences
Classification: Benign for NSD2-related condition. Last evaluated: 2019-08-20. Review status: no assertion criteria provided. Collection method: clinical testing. Allele origin: germline. Not counted in ClinVar's aggregate classification.
Comment: This variant is classified as benign based on ACMG/AMP sequence variant interpretation guidelines (Richards et al. 2015 PMID: 25741868, with internal and published modifications).

NM_001042424.3(NSD2):c.4023C>T (p.Pro1341=)

Gene: NSD2 (nuclear receptor binding SET domain protein 2; plus strand). Cytogenetic location: 4p16.3.
Variant type: single nucleotide variant.
Coding change: c.4023C>T on transcript NM_001042424.3 (MANE Select); coding-DNA position 4023, C replaced by T.
Protein change: p.Pro1341=; no amino-acid change (proline 1341 retained).
Molecular consequence: synonymous variant.
Genome position (GRCh38, 1-based): chr4:1,978,834, C>T. VCF-style: chr4-1978834-C-T. GRCh37 (hg19) VCF-style: chr4-1980561-C-T.
Other names: c.4023C>T, p.Pro1341= (NM_133330.3, NM_133331.3, NM_133335.4); c.4023C>T (NM_001042424.2).
Identifiers: ClinVar variation 1680228 (VCV001680228.12), dbSNP rs149925711, ClinGen allele CA2812943.